The following is an entry in ClinVar:

ClinVar aggregate classification (germline): Uncertain significance (1 of 4 stars; one submission).

Submission:

Women's Health and Genetics/Laboratory Corporation of America, LabCorp
Classification: Uncertain significance. Last evaluated: 2025-10-28. Review status: criteria provided, single submitter. Criteria: LabCorp Variant Classification Summary - May 2015. Collection method: clinical testing. Allele origin: germline.
Comment: Variant summary: IKBKB c.601G>A (p.Val201Met) results in a conservative amino acid change in the encoded protein sequence. Algorithms developed to predict the effect of missense changes on protein structure and function are either unavailable or do not agree on the potential impact of this missense change. The variant was absent in 251414 control chromosomes. The available data on variant occurrences in the general population are insufficient to allow any conclusion about variant significance. c.601G>A has been observed in individual(s) affected with Severe Combined Immunodeficiency (IUIS class II) (example: Vorsteveld_2024). These report(s) do not provide unequivocal conclusions about association of the variant with Severe Combined Immunodeficiency. The following publication has been ascertained in the context of this evaluation (PMID: 39369972). No submitters have cited clinical-significance assessments for this variant to ClinVar. Based on the evidence outlined above, the variant was classified as uncertain significance.

Literature cited by the submitters: PubMed 39369972.

NM_001556.3(IKBKB):c.601G>A (p.Val201Met)

Gene: IKBKB (inhibitor of nuclear factor kappa B kinase subunit beta; plus strand). Cytogenetic location: 8p11.21.
Variant type: single nucleotide variant.
Coding change: c.601G>A on transcript NM_001556.3 (MANE Select); coding-DNA position 601, G replaced by A.
Protein change: p.Val201Met; replaces valine 201 with methionine.
Molecular consequence: missense variant. On other transcripts: non-coding transcript variant (3).
Genome position (GRCh38, 1-based): chr8:42,308,934, G>A. VCF-style: chr8-42308934-G-A. GRCh37 (hg19) VCF-style: chr8-42166452-G-A.
Other names: c.409G>A, p.Val137Met (NM_001190720.3); c.424G>A, p.Val142Met (NM_001242778.2); short protein forms V137M, V142M, V201M.
Identifiers: ClinVar variation 4687692 (VCV004687692.1).